The following is an entry in ClinVar:

NM_030665.4(RAI1):c.2068C>T (p.Pro690Ser)

Gene: RAI1 (retinoic acid induced 1; plus strand). Cytogenetic location: 17p11.2.
Variant type: single nucleotide variant.
Coding change: c.2068C>T on transcript NM_030665.4 (MANE Select); coding-DNA position 2068, C replaced by T.
Protein change: p.Pro690Ser; replaces proline 690 with serine.
Molecular consequence: missense variant.
Genome position (GRCh38, 1-based): chr17:17,795,016, C>T. VCF-style: chr17-17795016-C-T. GRCh37 (hg19) VCF-style: chr17-17698330-C-T.
Other names: short protein forms P690S.
Identifiers: ClinVar variation 2026006 (VCV002026006.4), dbSNP rs2032177699, ClinGen allele CA398550015.

ClinVar aggregate classification (germline): Uncertain significance (1 of 4 stars; one submission).

Allele frequency attached by ClinVar (database versions not stated): TOPMed 0.00001.

Submission:

Labcorp Genetics (formerly Invitae), Labcorp
Classification: Uncertain significance. Last evaluated: 2022-10-25. Review status: criteria provided, single submitter. Criteria: Invitae Variant Classification Sherloc (09022015). Collection method: clinical testing. Allele origin: germline.
Comment: This variant is not present in population databases (gnomAD no frequency). In summary, the available evidence is currently insufficient to determine the role of this variant in disease. Therefore, it has been classified as a Variant of Uncertain Significance. Advanced modeling of protein sequence and biophysical properties (such as structural, functional, and spatial information, amino acid conservation, physicochemical variation, residue mobility, and thermodynamic stability) performed at Invitae indicates that this missense variant is not expected to disrupt RAI1 protein function. This variant has not been reported in the literature in individuals affected with RAI1-related conditions. This sequence change replaces proline, which is neutral and non-polar, with serine, which is neutral and polar, at codon 690 of the RAI1 protein (p.Pro690Ser).